The following is an entry in ClinVar:

NM_000059.4(BRCA2):c.9392C>A (p.Ser3131Tyr)

Gene: BRCA2 (BRCA2 DNA repair associated; plus strand). Cytogenetic location: 13q13.1.
Variant type: single nucleotide variant.
Coding change: c.9392C>A on transcript NM_000059.4 (MANE Select); coding-DNA position 9392, C replaced by A.
Protein change: p.Ser3131Tyr; replaces serine 3131 with tyrosine.
Molecular consequence: missense variant. On other transcripts: non-coding transcript variant (1).
Genome position (GRCh38, 1-based): chr13:32,394,824, C>A. VCF-style: chr13-32394824-C-A. GRCh37 (hg19) VCF-style: chr13-32968961-C-A.
Other names: c.9296C>A, p.Ser3099Tyr (NM_001406719.1); c.9341C>A, p.Ser3114Tyr (NM_001406720.1); c.4460C>A, p.Ser1487Tyr (NM_001406721.1); c.2975C>A, p.Ser992Tyr (NM_001406722.1); c.9392C>A, p.Ser3131Tyr (NM_001432077.1); short protein forms S1487Y, S3099Y, S992Y, S3114Y, S3131Y.
Identifiers: ClinVar variation 3482109 (VCV003482109.1).
Genomic context (GRCh38, chr13:32,394,824, plus strand): 5'-AGGACATTATTAAGCCTCATATGTTAATTGCTGCAAGCAACCTCCAGTGGCGACCAGAAT[C>A]CAAATCAGGCCTTCTTACTTTATTTGCTGGAGATTTTTCTGTGTTTTCTGCTAGTCCAAA-3'
Protein context (NP_000050.3, residues 3121-3141): AASNLQWRPE[Ser3131Tyr]KSGLLTLFAG

ClinVar aggregate classification (germline): Uncertain significance (1 of 4 stars; one submission).

Conditions:
Hereditary cancer-predisposing syndrome. Also called: Tumor predisposition; Neoplastic Syndromes, Hereditary; Hereditary Cancer Syndrome; Hereditary neoplastic syndrome. Identifiers: Orphanet 140162, MedGen C0027672, MeSH D009386, MONDO:0015356.

gnomAD v4.1: 1 of 1,614,114 alleles (0.000062%); highest among the groups gnomAD compares: East Asian, 0.0022%; no homozygotes.

Submission:

Ambry Genetics
Classification: Uncertain significance for Hereditary cancer-predisposing syndrome. Last evaluated: 2024-09-26. Review status: criteria provided, single submitter. Criteria: Ambry Variant Classification Scheme 2023. Collection method: clinical testing. Allele origin: germline.
Comment: The p.S3131Y variant (also known as c.9392C>A), located in coding exon 24 of the BRCA2 gene, results from a C to A substitution at nucleotide position 9392. The serine at codon 3131 is replaced by tyrosine, an amino acid with dissimilar properties. This amino acid position is not well conserved in available vertebrate species. In addition, the in silico prediction for this alteration is inconclusive. Based on the available evidence, the clinical significance of this variant remains unclear.